The following is an entry in ClinVar:

ClinVar aggregate classification (germline): Uncertain significance (1 of 4 stars; one submission).

Conditions:
Cardiovascular phenotype. Identifiers: MedGen CN230736.

Submission:

Ambry Genetics
Classification: Uncertain significance for Cardiovascular phenotype. Last evaluated: 2022-09-28. Review status: criteria provided, single submitter. Criteria: Ambry Variant Classification Scheme 2023. Collection method: clinical testing. Allele origin: germline.
Comment: The p.W3184R variant (also known as c.9550T>A), located in coding exon 27 of the TNXB gene, results from a T to A substitution at nucleotide position 9550. The tryptophan at codon 3184 is replaced by arginine, an amino acid with dissimilar properties. This amino acid position is conserved. In addition, this alteration is predicted to be deleterious by in silico analysis. Since supporting evidence is limited at this time, the clinical significance of this alteration remains unclear.

NM_001365276.2(TNXB):c.9556T>A (p.Trp3186Arg)

Gene: TNXB (tenascin XB; minus strand). Cytogenetic location: 6p21.33.
Variant type: single nucleotide variant.
Coding change: c.9556T>A on transcript NM_001365276.2 (MANE Select); coding-DNA position 9556, T replaced by A.
Protein change: p.Trp3186Arg; replaces tryptophan 3186 with arginine.
Molecular consequence: missense variant.
Genome position (GRCh38, 1-based): chr6:32,049,471, A>T on the plus strand (T>A on the coding strand, the complement: TNXB is on the minus strand). VCF-style: chr6-32049471-A-T. GRCh37 (hg19) VCF-style: chr6-32017248-A-T.
Other names: c.9550T>A, p.Trp3184Arg (NM_019105.8); short protein forms W3184R, W3186R.
Identifiers: ClinVar variation 1767361 (VCV001767361.2), dbSNP rs1208243428, ClinGen allele CA363539138.